The following is an entry in ClinVar:

NM_001009944.3(PKD1):c.4752C>T (p.Leu1584=)

Gene: PKD1 (polycystin 1, transient receptor potential channel interacting; minus strand). Cytogenetic location: 16p13.3.
Variant type: single nucleotide variant.
Coding change: c.4752C>T on transcript NM_001009944.3 (MANE Select); coding-DNA position 4752, C replaced by T.
Protein change: p.Leu1584=; no amino-acid change (leucine 1584 retained).
Molecular consequence: synonymous variant.
Genome position (GRCh38, 1-based): chr16:2,110,415, G>A on the plus strand (C>T on the coding strand, the complement: PKD1 is on the minus strand). VCF-style: chr16-2110415-G-A. GRCh37 (hg19) VCF-style: chr16-2160416-G-A.
Other names: c.4752C>T, p.Leu1584= (NM_000296.4).
Identifiers: ClinVar variation 4978049 (VCV004978049.1).

ClinVar aggregate classification (germline): Likely benign (1 of 4 stars; one submission).

Conditions:
PKD1-related disorder. Also called: PKD1-related condition.

gnomAD v4.1: 10 of 1,612,522 alleles (0.00062%); highest among the groups gnomAD compares: Admixed American, 0.017%; no homozygotes.

Submission:

PreventionGenetics, part of Exact Sciences
Classification: Likely benign for PKD1-related condition. Last evaluated: 2026-03-22. Review status: criteria provided, single submitter. Criteria: ACMG Guidelines, 2015. Collection method: clinical testing. Allele origin: germline.
Comment: This variant is classified as likely benign based on ACMG/AMP sequence variant interpretation guidelines (Richards et al. 2015 PMID: 25741868, with internal and published modifications).